The following is an entry in ClinVar:

NM_172362.3(KCNH1):c.1797G>A (p.Thr599=)

Gene: KCNH1 (potassium voltage-gated channel subfamily H member 1; minus strand). Cytogenetic location: 1q32.2.
Variant type: single nucleotide variant.
Coding change: c.1797G>A on transcript NM_172362.3 (MANE Select); coding-DNA position 1797, G replaced by A.
Protein change: p.Thr599=; no amino-acid change (threonine 599 retained).
Molecular consequence: synonymous variant.
Genome position (GRCh38, 1-based): chr1:210,797,626, C>T on the plus strand (G>A on the coding strand, the complement: KCNH1 is on the minus strand). VCF-style: chr1-210797626-C-T. GRCh37 (hg19) VCF-style: chr1-210970968-C-T.
Other names: p.Thr599=; c.1716G>A, p.Thr572= (NM_002238.4).
Identifiers: ClinVar variation 1234937 (VCV001234937.13), dbSNP rs147586251, ClinGen allele CA1379824.
Genomic context (GRCh38, chr1:210,797,626, plus strand): 5'-GCAGAGGCTGTCAACGCTCTCTCCTGCATGGTAGATGAGGTCCCCTGGGGCACAGTGCAC[C>T]GTCTGGAACTCCATGGCCAGTGCCCGGAGGCAGCCATCACTGGCCAGCCGGAAGGCCGGG-3'
Protein context (NP_758872.1, residues 589-609): CLRALAMEFQ[Thr599=]VHCAPGDLIY

ClinVar aggregate classification (germline): Benign/Likely benign. Review status: criteria provided, multiple submitters, no conflicts (2 of 4 stars). 4 submissions from 4 submitters: Benign (1); Likely benign (3). Last evaluated 2025-06-14.

Allele frequency attached by ClinVar (database versions not stated): ExAC 0.00005; ESP Exome Variant Server 0.00031.
gnomAD v4.1: 68 of 1,614,120 alleles (0.0042%); highest among the groups gnomAD compares: African/African-American, 0.053%; no homozygotes.

Submissions (4):

Labcorp Genetics (formerly Invitae), Labcorp
Classification: Likely benign. Last evaluated: 2025-06-14. Review status: criteria provided, single submitter. Criteria: Invitae Variant Classification Sherloc (09022015). Collection method: clinical testing. Allele origin: germline.

Mayo Clinic Laboratories, Mayo Clinic
Classification: Likely benign. Last evaluated: 2025-02-25. Review status: criteria provided, single submitter. Criteria: ACMG Guidelines, 2015. Collection method: clinical testing. Allele origin: germline. Observed: 2 variant alleles.
Comment: BP4, BP7

Blueprint Genetics
Classification: Likely benign. Last evaluated: 2024-10-04. Review status: criteria provided, single submitter. Criteria: ACMG Guidelines, 2015. Collection method: clinical testing. Allele origin: germline.

GeneDx
Classification: Benign. Last evaluated: 2020-04-03. Review status: criteria provided, single submitter. Criteria: GeneDx Variant Classification Process June 2021. Collection method: clinical testing. Allele origin: germline. Affected: yes.